The following is an entry in ClinVar:

ClinVar aggregate classification (germline): Uncertain significance. Review status: criteria provided, multiple submitters, no conflicts (2 of 4 stars). 5 submissions from 5 submitters: Uncertain significance (5). Last evaluated 2025-06-03.

Conditions:
Hereditary cancer-predisposing syndrome. Also called: Neoplastic Syndromes, Hereditary; Tumor predisposition; Hereditary Cancer Syndrome; Hereditary neoplastic syndrome. Identifiers: Orphanet 140162, MedGen C0027672, MeSH D009386, MONDO:0015356.
Familial cancer of breast. Also called: BREAST CANCER, FAMILIAL; hereditary breast carcinoma; Hereditary breast cancer. Identifiers: Orphanet 227535, MedGen C0346153, MONDO:0016419, OMIM 114480. Disease mechanism: loss of function.

Allele frequency attached by ClinVar (database versions not stated): TOPMed below 0.00001; gnomAD 0.00001; gnomAD exomes 0.00001.
gnomAD v4.1: 6 of 1,612,658 alleles (0.00037%); highest among the groups gnomAD compares: Admixed American, 0.0017%; no homozygotes.

Submissions (5):

Ambry Genetics
Classification: Uncertain significance for Hereditary cancer-predisposing syndrome. Last evaluated: 2025-06-03. Review status: criteria provided, single submitter. Criteria: Ambry Variant Classification Scheme 2023. Collection method: clinical testing. Allele origin: germline.
Comment: The p.P185L variant (also known as c.554C>T), located in coding exon 4 of the BARD1 gene, results from a C to T substitution at nucleotide position 554. The proline at codon 185 is replaced by leucine, an amino acid with similar properties. This amino acid position is poorly conserved in available vertebrate species. In addition, this alteration is predicted to be tolerated by in silico analysis. Since supporting evidence is limited at this time, the clinical significance of this alteration remains unclear.

Labcorp Genetics (formerly Invitae), Labcorp
Classification: Uncertain significance for Familial cancer of breast. Last evaluated: 2025-02-27. Review status: criteria provided, single submitter. Criteria: Invitae Variant Classification Sherloc (09022015). Collection method: clinical testing. Allele origin: germline.
Comment: This sequence change replaces proline, which is neutral and non-polar, with leucine, which is neutral and non-polar, at codon 185 of the BARD1 protein (p.Pro185Leu). This variant is not present in population databases (gnomAD no frequency). This variant has not been reported in the literature in individuals affected with BARD1-related conditions. ClinVar contains an entry for this variant (Variation ID: 460756). An algorithm developed to predict the effect of missense changes on protein structure and function (PolyPhen-2) suggests that this variant is likely to be tolerated. In summary, the available evidence is currently insufficient to determine the role of this variant in disease. Therefore, it has been classified as a Variant of Uncertain Significance.

Color Diagnostics, LLC DBA Color Health
Classification: Uncertain significance for Hereditary cancer-predisposing syndrome. Last evaluated: 2024-03-06. Review status: criteria provided, single submitter. Criteria: ACMG Guidelines, 2015. Collection method: clinical testing. Allele origin: germline.
Comment: This missense variant replaces proline with leucine at codon 185 of the BARD1 protein. Computational prediction suggests that this variant may not impact protein structure and function (internally defined REVEL score threshold <= 0.5, PMID: 27666373). To our knowledge, functional studies have not been reported for this variant. This variant has not been reported in individuals affected with hereditary cancer in the literature. This variant has not been identified in the general population by the Genome Aggregation Database (gnomAD). The available evidence is insufficient to determine the role of this variant in disease conclusively. Therefore, this variant is classified as a Variant of Uncertain Significance.

Baylor Genetics
Classification: Uncertain significance for Familial cancer of breast. Last evaluated: 2023-05-16. Review status: criteria provided, single submitter. Criteria: ACMG Guidelines, 2015. Collection method: clinical testing. Allele origin: unknown.

GeneDx
Classification: Uncertain significance. Last evaluated: 2022-07-28. Review status: criteria provided, single submitter. Criteria: GeneDx Variant Classification Process June 2021. Collection method: clinical testing. Allele origin: germline. Affected: yes.
Comment: Not observed in large population cohorts (gnomAD); In silico analysis supports that this missense variant does not alter protein structure/function; Has not been previously published as pathogenic or benign to our knowledge; This variant is associated with the following publications: (PMID: 26343386, 29292755)

NM_000465.4(BARD1):c.554C>T (p.Pro185Leu)

Gene: BARD1 (BRCA1 associated RING domain 1; minus strand). Cytogenetic location: 2q35.
Variant type: single nucleotide variant.
Coding change: c.554C>T on transcript NM_000465.4 (MANE Select); coding-DNA position 554, C replaced by T.
Protein change: p.Pro185Leu; replaces proline 185 with leucine.
Molecular consequence: missense variant. On other transcripts: non-coding transcript variant (2), intron variant (3).
Genome position (GRCh38, 1-based): chr2:214,781,320, G>A on the plus strand (C>T on the coding strand, the complement: BARD1 is on the minus strand). VCF-style: chr2-214781320-G-A. GRCh37 (hg19) VCF-style: chr2-215646044-G-A.
Other names: c.497C>T, p.Pro166Leu (NM_001282543.2); c.158+28092C>T (NM_001282548.2); c.215+15741C>T (NM_001282545.2); c.364+10977C>T (NM_001282549.2); short protein forms P185L, P166L.
Identifiers: ClinVar variation 460756 (VCV000460756.26), dbSNP rs927697548, ClinGen allele CA64789031.